The following is an entry in ClinVar:

ClinVar aggregate classification (germline): Likely benign (1 of 4 stars; one submission).

Submission:

GeneDx
Classification: Likely benign. Last evaluated: 2018-06-18. Review status: criteria provided, single submitter. Criteria: GeneDx Variant Classification (06012015). Collection method: clinical testing. Allele origin: germline. Affected: yes.
Comment: This variant is considered likely benign or benign based on one or more of the following criteria: it is a conservative change, it occurs at a poorly conserved position in the protein, it is predicted to be benign by multiple in silico algorithms, and/or has population frequency not consistent with disease.

NM_002880.4(RAF1):c.1698C>T (p.Ala566=)

Gene: RAF1 (Raf-1 proto-oncogene, serine/threonine kinase; minus strand). Cytogenetic location: 3p25.2.
Variant type: single nucleotide variant.
Coding change: c.1698C>T on transcript NM_002880.4 (MANE Select); coding-DNA position 1698, C replaced by T.
Protein change: p.Ala566=; no amino-acid change (alanine 566 retained).
Molecular consequence: synonymous variant. On other transcripts: non-coding transcript variant (3).
Genome position (GRCh38, 1-based): chr3:12,584,952, G>A on the plus strand (C>T on the coding strand, the complement: RAF1 is on the minus strand). VCF-style: chr3-12584952-G-A. GRCh37 (hg19) VCF-style: chr3-12626451-G-A.
Other names: c.1698C>T, p.Ala566= (NM_001354690.3); c.1455C>T, p.Ala485= (NM_001354691.3, NM_001354692.3); c.1599C>T, p.Ala533= (NM_001354693.3); c.1515C>T, p.Ala505= (NM_001354694.3); c.1356C>T, p.Ala452= (NM_001354695.3); c.1758C>T, p.Ala586= (NM_001354689.3).
Identifiers: ClinVar variation 561899 (VCV000561899.1), dbSNP rs1559399013, ClinGen allele CA432522052.
Genomic context (GRCh38, chr3:12,584,952, plus strand): 5'-AGCTACCAGCCTCTTCATTGCTTTGGGGCAGTTCTTATATAGCTTACTAAGATCTGGGGA[G>A]GCATATCCTCGGCCCACCATGAAGATGATCTAAGGGAAAGAAAACAGCTGAGCTAATGGG-3'
Protein context (NP_002871.1, residues 556-576): QIIFMVGRGY[Ala566=]SPDLSKLYKN